The following is an entry in ClinVar:

NM_001394062.1(MACF1):c.20928G>A (p.Thr6976=)

Gene: MACF1 (microtubule actin crosslinking factor 1; plus strand). Cytogenetic location: 1p34.3.
Variant type: single nucleotide variant.
Coding change: c.20928G>A on transcript NM_001394062.1 (MANE Select); coding-DNA position 20928, G replaced by A.
Protein change: p.Thr6976=; no amino-acid change (threonine 6976 retained).
Molecular consequence: synonymous variant.
Genome position (GRCh38, 1-based): chr1:39,454,950, G>A. VCF-style: chr1-39454950-G-A. GRCh37 (hg19) VCF-style: chr1-39920622-G-A.
Other names: c.9006G>A, p.Thr3002= (NM_001397473.1); c.14751G>A, p.Thr4917= (NM_012090.5).
Identifiers: ClinVar variation 3351084 (VCV003351084.3).

ClinVar aggregate classification (germline): Likely benign. Review status: criteria provided, single submitter (1 of 4 stars). 2 submissions from 2 submitters: Likely benign (1). 1 of the submissions does not count toward it. Last evaluated 2026-08-01.

Conditions:
MACF1-related disorder. Also called: MACF1-related condition.

gnomAD v4.1: 42 of 1,614,006 alleles (0.0026%); highest among the groups gnomAD compares: East Asian, 0.027%; 1 homozygote.

Submissions (2):

CeGaT Center for Human Genetics Tuebingen
Classification: Likely benign. Last evaluated: 2026-08-01. Review status: criteria provided, single submitter. Criteria: CeGaT Center For Human Genetics Tuebingen Variant Classification Criteria Version 2. Collection method: clinical testing. Allele origin: germline. Affected: yes. Observed: 2 variant alleles.
Comment: MACF1: BP4, BP7

PreventionGenetics, part of Exact Sciences
Classification: Likely benign for MACF1-related condition. Last evaluated: 2024-05-15. Review status: no assertion criteria provided. Collection method: clinical testing. Allele origin: germline. Not counted in ClinVar's aggregate classification.
Comment: This variant is classified as likely benign based on ACMG/AMP sequence variant interpretation guidelines (Richards et al. 2015 PMID: 25741868, with internal and published modifications).